The following is an entry in ClinVar:

NM_000081.4(LYST):c.3496C>T (p.Arg1166Ter)

Gene: LYST (lysosomal trafficking regulator; minus strand). Cytogenetic location: 1q42.3.
Variant type: single nucleotide variant.
Coding change: c.3496C>T on transcript NM_000081.4 (MANE Select); coding-DNA position 3496, C replaced by T.
Protein change: p.Arg1166Ter; replaces arginine 1166 with a stop codon.
Molecular consequence: nonsense.
Genome position (GRCh38, 1-based): chr1:235,804,563, G>A on the plus strand (C>T on the coding strand, the complement: LYST is on the minus strand). VCF-style: chr1-235804563-G-A. GRCh37 (hg19) VCF-style: chr1-235967863-G-A.
Other names: c.3496C>T, p.Arg1166Ter (NM_001301365.1); short protein forms R1166*.
Identifiers: ClinVar variation 4874302 (VCV004874302.2).

ClinVar aggregate classification (germline): Pathogenic (1 of 4 stars; one submission).

gnomAD v4.1: 3 of 1,612,856 alleles (0.00019%); highest among the groups gnomAD compares: African/African-American, 0.0013%; no homozygotes.

Submission:

CeGaT Center for Human Genetics Tuebingen
Classification: Pathogenic. Last evaluated: 2026-04-01. Review status: criteria provided, single submitter. Criteria: CeGaT Center For Human Genetics Tuebingen Variant Classification Criteria Version 2. Collection method: clinical testing. Allele origin: germline. Affected: yes. Observed: 1 variant allele.
Comment: LYST: PVS1, PM2, PM3:Supporting